The following is an entry in ClinVar:

ClinVar aggregate classification (germline): Uncertain significance (1 of 4 stars; one submission).

Conditions:
Familial adenomatous polyposis 1 (FAP1). Also called: FAMILIAL ADENOMATOUS POLYPOSIS 1, ATTENUATED; POLYPOSIS, ADENOMATOUS INTESTINAL. Identifiers: MedGen C2713442, MONDO:0021056, OMIM 175100. Disease mechanism: loss of function.

Allele frequency attached by ClinVar (database versions not stated): 1000 Genomes Project 0.00020; gnomAD exomes below 0.00001; gnomAD 0.00001; 1000 Genomes Project 30x 0.00016.
gnomAD v4.1: 2 of 1,361,026 alleles (0.00015%); highest among the groups gnomAD compares: Admixed American, 0.0022%; no homozygotes.

Submission:

Labcorp Genetics (formerly Invitae), Labcorp
Classification: Uncertain significance for Familial adenomatous polyposis 1. Last evaluated: 2025-09-29. Review status: criteria provided, single submitter. Criteria: Invitae Variant Classification Sherloc (09022015). Collection method: clinical testing. Allele origin: germline.
Comment: This variant occurs in a non-coding region of the APC gene. It does not change the encoded amino acid sequence of the APC protein. This variant is not present in population databases (gnomAD no frequency). This variant has not been reported in the literature in individuals affected with APC-related conditions. ClinVar contains an entry for this variant (Variation ID: 469810). Experimental studies and prediction algorithms are not available or were not evaluated, and the functional significance of this variant is currently unknown. In summary, the available evidence is currently insufficient to determine the role of this variant in disease. Therefore, it has been classified as a Variant of Uncertain Significance.

NM_001127511.3(APC):c.-71C>T

Gene: APC (APC regulator of Wnt signaling pathway; plus strand). Cytogenetic location: 5q22.2.
Variant type: single nucleotide variant.
Coding change: c.-71C>T on transcript NM_001127511.3; 71 bases upstream of the start codon, C replaced by T.
Molecular consequence: 5 prime UTR variant. On other transcripts: non-coding transcript variant (2).
Genome position (GRCh38, 1-based): chr5:112,707,647, C>T. VCF-style: chr5-112707647-C-T. GRCh37 (hg19) VCF-style: chr5-112043344-C-T.
Other names: c.-254C>T (NM_001354895.2, NM_001407447.1, NM_001407452.1 and 3 more transcripts); c.-71C>T (NM_001354897.2, NM_001354902.2, NM_001407446.1); c.-21C>T (NM_001407448.1, NM_001407450.1, NM_001407457.1 and 1 more transcripts); c.-45C>T (NM_001407453.1); c.-1289C>T (NM_001407470.1, NM_001407472.1).
Identifiers: ClinVar variation 469810 (VCV000469810.9), dbSNP rs544132569, ClinGen allele CA124925059.
Genomic context (GRCh38, chr5:112,707,647, plus strand): 5'-GGGGGGACCTGCGGGCTCAGGCCCGGGAGCTGCGGACCGAGGTTGGCTCGATGCTGTTCC[C>T]AGGTACTGTTGTTGGCTGTTGGTGAGGAAGGTGAAGCACTCAGTTGCCTTCTCGGGCCTC-3'